The following is an entry in ClinVar:

NM_181426.2(CCDC39):c.*545C>A

Genes: CCDC39 (coiled-coil domain 39 molecular ruler complex subunit; minus strand), TTC14 (tetratricopeptide repeat domain 14; plus strand). Cytogenetic location: 3q26.33.
Variant type: single nucleotide variant.
Coding change: c.*545C>A on transcript NM_181426.2 (MANE Select); 545 bases downstream of the stop codon, C replaced by A.
Molecular consequence: 3 prime UTR variant. On other transcripts: intron variant (1).
Genome position (GRCh38, 1-based): chr3:180,614,376, G>T on the plus strand (C>A on the coding strand, the complement: CCDC39 is on the minus strand). VCF-style: chr3-180614376-G-T. GRCh37 (hg19) VCF-style: chr3-180332164-G-T.
Other names: c.1775-3004G>T (NM_001288582.2).
Identifiers: ClinVar variation 344243 (VCV000344243.28), dbSNP rs555590913, ClinGen allele CA10618061.
Genomic context (GRCh38, chr3:180,614,376, plus strand): 5'-TCTAAATTTATGCTGCATTTTAAAATTGATATACAGTGTTTCTCTTACCGGTTTTTTTTT[G>T]GGGGGGTGGGGTGGGTAGGGGTTGATGCTATTTTTTGGTTAAAAATTATAGCAAAAGAAG-3'

ClinVar aggregate classification (germline): Conflicting classifications of pathogenicity. Review status: criteria provided, conflicting classifications (1 of 4 stars). 2 submissions from 2 submitters: Uncertain significance (1); Benign (1). Last evaluated 2023-07-01.

Conditions:
Primary ciliary dyskinesia 14. Also called: CILIARY DYSKINESIA, PRIMARY, 14, WITH OR WITHOUT SITUS INVERSUS. Identifiers: Orphanet 244, MedGen C3151136, MONDO:0013434, OMIM 613807.

Allele frequency attached by ClinVar (database versions not stated): gnomAD 0.00581 and 0.00572; 1000 Genomes Project 0.00419; 1000 Genomes Project 30x 0.00484.

Submissions (2):

CeGaT Center for Human Genetics Tuebingen
Classification: Benign. Last evaluated: 2023-07-01. Review status: criteria provided, single submitter. Criteria: CeGaT Center For Human Genetics Tuebingen Variant Classification Criteria Version 2. Collection method: clinical testing. Allele origin: germline. Affected: yes. Observed: 3 variant alleles.
Comment: CCDC39: BS1, BS2; ENSG00000145075: BS1, BS2; TTC14: BS1, BS2

Illumina Laboratory Services, Illumina
Classification: Uncertain significance for Primary ciliary dyskinesia 14. Last evaluated: 2018-01-12. Review status: criteria provided, single submitter. Criteria: ICSL Variant Classification Criteria 13 December 2019. Collection method: clinical testing. Allele origin: germline.